The following is an entry in ClinVar:

ClinVar aggregate classification (germline): Pathogenic. Review status: criteria provided, multiple submitters, no conflicts (2 of 4 stars). 3 submissions from 3 submitters: Pathogenic (2). 1 of the submissions does not count toward it. Last evaluated 2024-07-22.

Conditions:
Hereditary cancer-predisposing syndrome. Also called: Neoplastic Syndromes, Hereditary; Tumor predisposition; Hereditary Cancer Syndrome; Hereditary neoplastic syndrome. Identifiers: Orphanet 140162, MedGen C0027672, MeSH D009386, MONDO:0015356.
Breast-ovarian cancer, familial, susceptibility to, 4. Identifiers: Orphanet 145, MedGen C3280345, MONDO:0013669, OMIM 614291.
Breast and/or ovarian cancer. Identifiers: MedGen CN221562.

Submissions (3):

Ambry Genetics
Classification: Pathogenic for Hereditary cancer-predisposing syndrome. Last evaluated: 2024-07-22. Review status: criteria provided, single submitter. Criteria: Ambry Variant Classification Scheme 2023. Collection method: clinical testing. Allele origin: germline.
Comment: The p.Q60* pathogenic mutation (also known as c.178C>T), located in coding exon 3 of the RAD51D gene, results from a C to T substitution at nucleotide position 178. This changes the amino acid from a glutamine to a stop codon within coding exon 3. This alteration is expected to result in loss of function by premature protein truncation or nonsense-mediated mRNA decay. As such, this alteration is interpreted as a disease-causing mutation.

Myriad Genetics, Inc.
Classification: Pathogenic for Breast-ovarian cancer, familial, susceptibility to, 4. Last evaluated: 2024-01-04. Review status: criteria provided, single submitter. Criteria: Myriad Autosomal Dominant, Autosomal Recessive and X-Linked Classification Criteria (2023). Collection method: clinical testing. Allele origin: unknown.
Comment: This variant is considered pathogenic. This variant creates a termination codon and is predicted to result in premature protein truncation.

CZECANCA consortium
Classification: Pathogenic for Breast and/or ovarian cancer. Last evaluated: 2019-06-11. Review status: no assertion criteria provided. Collection method: clinical testing. Allele origin: germline. Affected: yes. Observed: 1 variant allele. Not counted in ClinVar's aggregate classification.

Literature cited by the submitters: PubMed 32295079 (cited by CZECANCA consortium).

NM_002878.4(RAD51D):c.178C>T (p.Gln60Ter)

Genes: RAD51D (RAD51 paralog D; minus strand), RAD51L3-RFFL (RAD51L3-RFFL readthrough; minus strand). Cytogenetic location: 17q12.
Variant type: single nucleotide variant.
Coding change: c.178C>T on transcript NM_002878.4 (MANE Select); coding-DNA position 178, C replaced by T.
Protein change: p.Gln60Ter; replaces glutamine 60 with a stop codon.
Molecular consequence: nonsense. On other transcripts: intron variant (2).
Genome position (GRCh38, 1-based): chr17:35,118,586, G>A on the plus strand (C>T on the coding strand, the complement: RAD51D is on the minus strand). VCF-style: chr17-35118586-G-A. GRCh37 (hg19) VCF-style: chr17-33445605-G-A.
Other names: c.144+525C>T (NM_133629.3, NM_001142571.2); short protein forms Q60*.
Identifiers: ClinVar variation 484784 (VCV000484784.7), dbSNP rs1555570285, ClinGen allele CA399091493.